The following is an entry in ClinVar:

NM_014874.4(MFN2):c.161C>T (p.Ala54Val)

Gene: MFN2 (mitofusin 2; plus strand). Cytogenetic location: 1p36.22.
Variant type: single nucleotide variant.
Coding change: c.161C>T on transcript NM_014874.4 (MANE Select); coding-DNA position 161, C replaced by T.
Protein change: p.Ala54Val; replaces alanine 54 with valine.
Molecular consequence: missense variant.
Genome position (GRCh38, 1-based): chr1:11,989,329, C>T. VCF-style: chr1-11989329-C-T. GRCh37 (hg19) VCF-style: chr1-12049386-C-T.
Other names: c.161C>T, p.Ala54Val (NM_001127660.2); short protein forms A54V.
Identifiers: ClinVar variation 2103213 (VCV002103213.5), dbSNP rs747176196, ClinGen allele CA598747.

ClinVar aggregate classification (germline): Uncertain significance. Review status: criteria provided, multiple submitters, no conflicts (2 of 4 stars). 2 submissions from 2 submitters: Uncertain significance (2). Last evaluated 2022-04-04.

Conditions:
Charcot-Marie-Tooth disease type 2. Also called: Charcot-Marie-Tooth type 2. Identifiers: Orphanet 64746, MedGen C0270914, MONDO:0018993.

Allele frequency attached by ClinVar (database versions not stated): gnomAD exomes 0.00001; ExAC 0.00002.
gnomAD v4.1: 6 of 1,614,010 alleles (0.00037%); highest among the groups gnomAD compares: South Asian, 0.0066%; no homozygotes.

Submissions (2):

Blueprint Genetics
Classification: Uncertain significance. Last evaluated: 2022-04-04. Review status: criteria provided, single submitter. Criteria: ACMG Guidelines, 2015. Collection method: clinical testing. Allele origin: germline.

Labcorp Genetics (formerly Invitae), Labcorp
Classification: Uncertain significance for Charcot-Marie-Tooth disease type 2. Last evaluated: 2022-02-25. Review status: criteria provided, single submitter. Criteria: Invitae Variant Classification Sherloc (09022015). Collection method: clinical testing. Allele origin: germline.
Comment: This sequence change replaces alanine, which is neutral and non-polar, with valine, which is neutral and non-polar, at codon 54 of the MFN2 protein (p.Ala54Val). This variant is present in population databases (rs747176196, gnomAD 0.01%). This variant has not been reported in the literature in individuals affected with MFN2-related conditions. Advanced modeling of protein sequence and biophysical properties (such as structural, functional, and spatial information, amino acid conservation, physicochemical variation, residue mobility, and thermodynamic stability) performed at Invitae indicates that this missense variant is not expected to disrupt MFN2 protein function. In summary, the available evidence is currently insufficient to determine the role of this variant in disease. Therefore, it has been classified as a Variant of Uncertain Significance.